The following is an entry in ClinVar:

NM_004336.5(BUB1):c.205A>C (p.Ile69Leu)

Gene: BUB1 (BUB1 mitotic checkpoint serine/threonine kinase; minus strand). Cytogenetic location: 2q13.
Variant type: single nucleotide variant.
Coding change: c.205A>C on transcript NM_004336.5 (MANE Select); coding-DNA position 205, A replaced by C.
Protein change: p.Ile69Leu; replaces isoleucine 69 with leucine.
Molecular consequence: missense variant.
Genome position (GRCh38, 1-based): chr2:110,674,106, T>G on the plus strand (A>C on the coding strand, the complement: BUB1 is on the minus strand). VCF-style: chr2-110674106-T-G. GRCh37 (hg19) VCF-style: chr2-111431683-T-G.
Other names: c.145A>C, p.Ile49Leu (NM_001278616.2); c.205A>C, p.Ile69Leu (NM_001278617.2); short protein forms I49L, I69L.
Identifiers: ClinVar variation 1785181 (VCV001785181.2), dbSNP rs780901314, ClinGen allele CA348221094.

ClinVar aggregate classification (germline): Uncertain significance (1 of 4 stars; one submission).

gnomAD v4.1: 2 of 1,531,894 alleles (0.00013%); highest among the groups gnomAD compares: Admixed American, 0.0034%; no homozygotes.

Submission:

Ambry Genetics
Classification: Uncertain significance. Last evaluated: 2022-09-12. Review status: criteria provided, single submitter. Criteria: Ambry Variant Classification Scheme 2023. Collection method: clinical testing. Allele origin: germline.
Comment: The p.I69L variant (also known as c.205A>C), located in coding exon 3 of the BUB1 gene, results from an A to C substitution at nucleotide position 205. The isoleucine at codon 69 is replaced by leucine, an amino acid with highly similar properties. This amino acid position is conserved. In addition, this alteration is predicted to be tolerated by in silico analysis. Since supporting evidence is limited at this time, the clinical significance of this alteration remains unclear.